The following is an entry in ClinVar:

ClinVar aggregate classification (germline): Likely pathogenic. Review status: criteria provided, multiple submitters, no conflicts (2 of 4 stars). 2 submissions from 2 submitters: Likely pathogenic (2). Last evaluated 2026-10-08.

Conditions:
TNXB-related disorder. Also called: TNXB-related condition.

Submissions (2):

GeneDx
Classification: Likely pathogenic. Last evaluated: 2026-10-08. Review status: criteria provided, single submitter. Criteria: GeneDx Variant Classification Process June 2021. Collection method: clinical testing. Allele origin: germline.
Comment: Has not been previously published as pathogenic or benign to our knowledge; Not observed at significant frequency in large population cohorts (gnomAD); Frameshift variant predicted to result in protein truncation or nonsense mediated decay in a gene for which loss of function is a known mechanism of disease

PreventionGenetics, part of Exact Sciences
Classification: Likely pathogenic for TNXB-related condition. Last evaluated: 2026-05-02. Review status: criteria provided, single submitter. Criteria: ACMG Guidelines, 2015. Collection method: clinical testing. Allele origin: germline.
Comment: The TNXB c.10574delG variant is predicted to result in a frameshift and premature protein termination (p.Gly3525Alafs*8). To our knowledge, this variant has not been reported in the literature. This variant is reported in 0.0018% of alleles in individuals of European (Non-Finnish) descent in gnomAD. Frameshift variants in TNXB are expected to be pathogenic. This variant is interpreted as likely pathogenic for autosomal recessive classic-like Ehlers-Danlos syndrome (clEDS).

NM_001365276.2(TNXB):c.10580del (p.Gly3527fs)

Gene: TNXB (tenascin XB; minus strand). Cytogenetic location: 6p21.33.
Variant type: Deletion.
Coding change: c.10580del on transcript NM_001365276.2 (MANE Select); coding-DNA position 10580, one base deleted (G; older notation c.10580delG).
Protein change: p.Gly3527fs; shifts the reading frame from glycine 3527.
Molecular consequence: frameshift variant.
Genome position (GRCh38, 1-based): chr6:32,046,201, C deleted on the plus strand (G on the coding strand, the reverse complement: TNXB is on the minus strand); the first of 3 consecutive C bases (chr6:32,046,201-32,046,203); deleting any one gives the same sequence. VCF-style (leftmost placement, unchanged base first): chr6-32046200-GC-G. GRCh37 (hg19) VCF-style: chr6-32013977-GC-G.
Other names: c.10574del, p.Gly3525fs (NM_019105.8); c.10574delG (NM_019105.6); short protein forms G3525fs, G3527fs.
Identifiers: ClinVar variation 3252158 (VCV003252158.4), dbSNP rs1405672269.